The following is an entry in ClinVar:

NM_000298.6(PKLR):c.230_250del (p.Asp77_Val83del)

Gene: PKLR (pyruvate kinase L/R; minus strand). Cytogenetic location: 1q22.
Variant type: Deletion.
Coding change: c.230_250del on transcript NM_000298.6 (MANE Select); coding-DNA positions 230 to 250, 21 bases deleted (ACATTGACTCCGAGCCCGTGG).
Protein change: p.Asp77_Val83del.
Genome position (GRCh38, 1-based): chr1:155,300,131-155,300,151, CCACGGGCTCGGAGTCAATGT deleted on the plus strand (ACATTGACTCCGAGCCCGTGG on the coding strand, the reverse complement: PKLR is on the minus strand); deleting any 21 consecutive bases within chr1:155,300,131-155,300,154 gives the same sequence; the c. name uses the placement nearest the transcript's 3' end. VCF-style (leftmost placement, unchanged base first): chr1-155300130-GCCACGGGCTCGGAGTCAATGT-G. GRCh37 (hg19) VCF-style: chr1-155269921-GCCACGGGCTCGGAGTCAATGT-G.
Other names: c.137_157del, p.Asp46_Val52del (NM_181871.4).
Identifiers: ClinVar variation 4085374 (VCV004085374.8).

ClinVar aggregate classification (germline): Uncertain significance (1 of 4 stars; one submission).

Submission:

CeGaT Center for Human Genetics Tuebingen
Classification: Uncertain significance. Last evaluated: 2025-07-01. Review status: criteria provided, single submitter. Criteria: CeGaT Center For Human Genetics Tuebingen Variant Classification Criteria Version 2. Collection method: clinical testing. Allele origin: germline. Affected: yes. Observed: 1 variant allele.
Comment: PKLR: PM2, PM4, PM3:Supporting